The following is an entry in ClinVar:

ClinVar aggregate classification (germline): Uncertain significance (1 of 4 stars; one submission).

Allele frequency attached by ClinVar (database versions not stated): ExAC 0.00001; gnomAD exomes 0.00001 and 0.00003; TOPMed 0.00001; ESP Exome Variant Server 0.00009.
gnomAD v4.1: 39 of 1,205,740 alleles (0.0032%); highest among the groups gnomAD compares: Non-Finnish European, 0.0039%; no homozygotes.

Submission:

GeneDx
Classification: Uncertain significance. Last evaluated: 2017-05-30. Review status: criteria provided, single submitter. Criteria: GeneDx Variant Classification (06012015). Collection method: clinical testing. Allele origin: germline. Affected: yes.
Comment: The D716A variant in the ARHGEF6 gene has not been reported previously as a pathogenic variant, nor as a benign variant, to our knowledge. The D716A variant is not observed at a significant frequency in large population cohorts (Lek et al., 2016; 1000 Genomes Consortium et al., 2015; Exome Variant Server). The D716A variant is a non-conservative amino acid substitution, which is likely to impact secondary protein structure as these residues differ in polarity, charge, size and/or other properties. This substitution occurs at a position that is conserved across species, and in silico analysis predicts this variant is probably damaging to the protein structure/function. We interpret D716A as a variant of uncertain significance.

NM_004840.3(ARHGEF6):c.2147A>C (p.Asp716Ala)

Gene: ARHGEF6 (Rac/Cdc42 guanine nucleotide exchange factor 6; minus strand). Cytogenetic location: Xq26.3.
Variant type: single nucleotide variant.
Coding change: c.2147A>C on transcript NM_004840.3 (MANE Select); coding-DNA position 2147, A replaced by C.
Protein change: p.Asp716Ala; replaces aspartic acid 716 with alanine.
Molecular consequence: missense variant.
Genome position (GRCh38, 1-based): chrX:136,669,525, T>G on the plus strand (A>C on the coding strand, the complement: ARHGEF6 is on the minus strand). VCF-style: chrX-136669525-T-G. GRCh37 (hg19) VCF-style: chrX-135751684-T-G.
Other names: c.1685A>C, p.Asp562Ala (NM_001306177.2); short protein forms D716A, D562A.
Identifiers: ClinVar variation 430514 (VCV000430514.2), dbSNP rs144205542, ClinGen allele CA10528222.